The following is an entry in ClinVar:

ClinVar aggregate classification (germline): Uncertain significance (1 of 4 stars; one submission).

Conditions:
VPS13B-related disorder. Also called: VPS13B-related condition.

gnomAD v4.1: 2 of 1,613,796 alleles (0.00012%); highest among the groups gnomAD compares: African/African-American, 0.0013%; no homozygotes.

Submission:

PreventionGenetics, part of Exact Sciences
Classification: Uncertain significance for VPS13B-related condition. Last evaluated: 2025-08-04. Review status: criteria provided, single submitter. Criteria: ACMG Guidelines, 2015. Collection method: clinical testing. Allele origin: germline.
Comment: The VPS13B c.964A>G variant is predicted to result in the amino acid substitution p.Met322Val. To our knowledge, this variant has not been reported in the literature. This variant is reported in 0.0080% of alleles in individuals of African descent in gnomAD. At this time, the clinical significance of this variant is uncertain due to the absence of conclusive functional and genetic evidence.

NM_152564.5(VPS13B):c.964A>G (p.Met322Val)

Gene: VPS13B (vacuolar protein sorting 13 homolog B; plus strand). Cytogenetic location: 8q22.2.
Variant type: single nucleotide variant.
Coding change: c.964A>G on transcript NM_152564.5 (MANE Select); coding-DNA position 964, A replaced by G.
Protein change: p.Met322Val; replaces methionine 322 with valine.
Molecular consequence: missense variant. On other transcripts: non-coding transcript variant (1).
Genome position (GRCh38, 1-based): chr8:99,121,203, A>G. VCF-style: chr8-99121203-A-G. GRCh37 (hg19) VCF-style: chr8-100133431-A-G.
Other names: c.964A>G, p.Met322Val (NM_015243.3, NM_017890.5, NM_181661.3); short protein forms M322V.
Identifiers: ClinVar variation 4985020 (VCV004985020.1).